The following is an entry in ClinVar:

ClinVar aggregate classification (germline): Uncertain significance (1 of 4 stars; one submission).

Conditions:
Hypertrophic cardiomyopathy 2. Also called: TNNT2-Related Familial Hypertrophic Cardiomyopathy. Identifiers: MedGen C1861864, MONDO:0007266, OMIM 115195.
Dilated cardiomyopathy 1D. Identifiers: Orphanet 154, Orphanet 54260, MedGen C1832243, MONDO:0011095, OMIM 601494.
Cardiomyopathy, familial restrictive, 3. Identifiers: Orphanet 75249, MedGen C2676271, MONDO:0012900, OMIM 612422.

Submission:

Labcorp Genetics (formerly Invitae), Labcorp
Classification: Uncertain significance for Cardiomyopathy, familial restrictive, 3; Hypertrophic cardiomyopathy 2; Dilated cardiomyopathy 1D. Last evaluated: 2022-08-07. Review status: criteria provided, single submitter. Criteria: Invitae Variant Classification Sherloc (09022015). Collection method: clinical testing. Allele origin: germline.
Comment: ClinVar contains an entry for this variant (Variation ID: 1059605). In summary, the available evidence is currently insufficient to determine the role of this variant in disease. Therefore, it has been classified as a Variant of Uncertain Significance. Algorithms developed to predict the effect of missense changes on protein structure and function are either unavailable or do not agree on the potential impact of this missense change (SIFT: "Deleterious"; PolyPhen-2: "Possibly Damaging"; Align-GVGD: "Class C0"). This variant has not been reported in the literature in individuals affected with TNNT2-related conditions. This variant is not present in population databases (gnomAD no frequency). This sequence change replaces isoleucine, which is neutral and non-polar, with asparagine, which is neutral and polar, at codon 188 of the TNNT2 protein (p.Ile188Asn).

NM_001276345.2(TNNT2):c.593T>A (p.Ile198Asn)

Gene: TNNT2 (troponin T2, cardiac type; minus strand). Cytogenetic location: 1q32.1.
Variant type: single nucleotide variant.
Coding change: c.593T>A on transcript NM_001276345.2 (MANE Select); coding-DNA position 593, T replaced by A.
Protein change: p.Ile198Asn; replaces isoleucine 198 with asparagine.
Molecular consequence: missense variant.
Genome position (GRCh38, 1-based): chr1:201,363,303, A>T on the plus strand (T>A on the coding strand, the complement: TNNT2 is on the minus strand). VCF-style: chr1-201363303-A-T. GRCh37 (hg19) VCF-style: chr1-201332431-A-T.
Other names: c.593T>A, p.Ile198Asn (NM_000364.4); c.563T>A, p.Ile188Asn (NM_001001430.3, NM_001001431.3, NM_001276347.2); c.548T>A, p.Ile183Asn (NM_001001432.3); c.473T>A, p.Ile158Asn (NM_001276346.2); short protein forms I158N, I183N, I188N, I198N.
Identifiers: ClinVar variation 1059605 (VCV001059605.9), dbSNP rs878854148, ClinGen allele CA344204264.